The following is an entry in ClinVar:

NM_030973.4(MED25):c.413C>T (p.Thr138Met)

Gene: MED25 (mediator complex subunit 25; plus strand). Cytogenetic location: 19q13.33.
Variant type: single nucleotide variant.
Coding change: c.413C>T on transcript NM_030973.4 (MANE Select); coding-DNA position 413, C replaced by T.
Protein change: p.Thr138Met; replaces threonine 138 with methionine.
Molecular consequence: missense variant.
Genome position (GRCh38, 1-based): chr19:49,828,978, C>T. VCF-style: chr19-49828978-C-T. GRCh37 (hg19) VCF-style: chr19-50332235-C-T.
Other names: c.413C>T, p.Thr138Met (NM_001378355.1); short protein forms T138M.
Identifiers: ClinVar variation 916778 (VCV000916778.4), dbSNP rs200785685, ClinGen allele CA9584856.

ClinVar aggregate classification (germline): Uncertain significance. Review status: criteria provided, multiple submitters, no conflicts (2 of 4 stars). 2 submissions from 2 submitters: Uncertain significance (2). Last evaluated 2022-06-20.

Conditions:
Charcot-Marie-Tooth disease type 2. Also called: Charcot-Marie-Tooth type 2. Identifiers: Orphanet 64746, MedGen C0270914, MONDO:0018993.
Charcot-Marie-Tooth disease. Also called: Charcot-Marie-Tooth Hereditary Neuropathy; Charcot-Marie-Tooth Neuropathy. Identifiers: Orphanet 166, MedGen C0007959, MONDO:0015626.

Allele frequency attached by ClinVar (database versions not stated): 1000 Genomes Project 0.00020; gnomAD exomes 0.00001 and 0.00003; ExAC 0.00004; gnomAD 0.00001; ESP Exome Variant Server 0.00008; 1000 Genomes Project 30x 0.00016; TOPMed 0.00002.
gnomAD v4.1: 24 of 1,614,094 alleles (0.0015%); highest among the groups gnomAD compares: South Asian, 0.0022%; no homozygotes.

Submissions (2):

Labcorp Genetics (formerly Invitae), Labcorp
Classification: Uncertain significance for Charcot-Marie-Tooth disease type 2. Last evaluated: 2022-06-20. Review status: criteria provided, single submitter. Criteria: Invitae Variant Classification Sherloc (09022015). Collection method: clinical testing. Allele origin: germline.
Comment: This sequence change replaces threonine, which is neutral and polar, with methionine, which is neutral and non-polar, at codon 138 of the MED25 protein (p.Thr138Met). This variant is present in population databases (rs200785685, gnomAD 0.007%). This variant has not been reported in the literature in individuals affected with MED25-related conditions. ClinVar contains an entry for this variant (Variation ID: 916778). Algorithms developed to predict the effect of missense changes on protein structure and function are either unavailable or do not agree on the potential impact of this missense change (SIFT: "Deleterious"; PolyPhen-2: "Probably Damaging"; Align-GVGD: "Class C0"). In summary, the available evidence is currently insufficient to determine the role of this variant in disease. Therefore, it has been classified as a Variant of Uncertain Significance.

Molecular Genetics Laboratory, London Health Sciences Centre
Classification: Uncertain significance for Charcot-Marie-Tooth disease. Review status: criteria provided, single submitter. Criteria: ACMG Guidelines, 2015. Collection method: clinical testing. Allele origin: germline. Affected: yes.